The following is an entry in ClinVar:

ClinVar aggregate classification (germline): Uncertain significance. Review status: criteria provided, multiple submitters, no conflicts (2 of 4 stars). 2 submissions from 2 submitters: Uncertain significance (2). Last evaluated 2025-11-21.

Conditions:
PROS1-related disorder. Also called: PROS1-related condition.
Thrombophilia due to protein S deficiency, autosomal dominant (THPH5). Identifiers: Orphanet 26349, Orphanet 743, MedGen C3278211, MONDO:0012868, OMIM 612336. Disease mechanism: loss of function.

Allele frequency attached by ClinVar (database versions not stated): TOPMed 0.00003; gnomAD 0.00006; gnomAD exomes 0.00005.

Submissions (2):

PreventionGenetics, part of Exact Sciences
Classification: Uncertain significance for PROS1-related condition. Last evaluated: 2025-11-21. Review status: criteria provided, single submitter. Criteria: ACMG Guidelines, 2015. Collection method: clinical testing. Allele origin: germline.
Comment: The PROS1 c.-187G>T variant is located in the 5' untranslated region. To our knowledge, this variant has not been reported in the literature. This variant is reported in 0.029% of alleles in individuals of European (Finnish) descent in gnomAD. At this time, the clinical significance of this variant is uncertain due to the absence of conclusive functional and genetic evidence.

Illumina Laboratory Services, Illumina
Classification: Uncertain significance for Thrombophilia due to protein S deficiency, autosomal dominant. Last evaluated: 2018-01-13. Review status: criteria provided, single submitter. Criteria: ICSL Variant Classification Criteria 13 December 2019. Collection method: clinical testing. Allele origin: germline.

NM_000313.3(PROS1):c.-187G>T

Gene: PROS1 (protein S; minus strand). Cytogenetic location: 3q11.1.
Variant type: single nucleotide variant.
Coding change: c.-187G>T on transcript NM_000313.3; 187 bases upstream of the start codon, G replaced by T.
Genome position (GRCh38, 1-based): chr3:93,973,936, C>A on the plus strand (G>T on the coding strand, the complement: PROS1 is on the minus strand). VCF-style: chr3-93973936-C-A. GRCh37 (hg19) VCF-style: chr3-93692780-C-A.
Other names: c.-187G>T (NM_001314077.1).
Identifiers: ClinVar variation 902480 (VCV000902480.7), dbSNP rs1195211433, ClinGen allele CA544750692.